The following is an entry in ClinVar:

NM_030662.4(MAP2K2):c.620A>T (p.Glu207Val)

Gene: MAP2K2 (mitogen-activated protein kinase kinase 2; minus strand). Cytogenetic location: 19p13.3.
Variant type: single nucleotide variant.
Coding change: c.620A>T on transcript NM_030662.4 (MANE Select); coding-DNA position 620, A replaced by T.
Protein change: p.Glu207Val; replaces glutamic acid 207 with valine.
Molecular consequence: missense variant.
Genome position (GRCh38, 1-based): chr19:4,101,104, T>A on the plus strand (A>T on the coding strand, the complement: MAP2K2 is on the minus strand). VCF-style: chr19-4101104-T-A. GRCh37 (hg19) VCF-style: chr19-4101102-T-A.
Other names: c.620A>T, p.Glu207Val (NM_001440688.1); c.50A>T, p.Glu17Val (NM_001440689.1); short protein forms E17V, E207V.
Identifiers: ClinVar variation 4879319 (VCV004879319.1).

ClinVar aggregate classification (germline): Uncertain significance (1 of 4 stars; one submission).

Conditions:
Cardiofaciocutaneous syndrome 4 (CFC4). Also called: MAP2K2-Related Cardiofaciocutaneous Syndrome. Identifiers: Orphanet 1340, MedGen C3809007, MONDO:0014114, OMIM 615280.

Submission:

Clinical Genomics Laboratory, Washington University in St. Louis
Classification: Uncertain significance for Cardiofaciocutaneous syndrome 4. Last evaluated: 2025-12-05. Review status: criteria provided, single submitter. Criteria: ACMG Guidelines, 2015. Collection method: clinical testing. Allele origin: germline.
Comment: The MAP2K2 c.620A>T (p.Glu207Val) variant, to our knowledge, has not been reported in the medical literature. Another variant in the same codon, c.619G>A (p.Glu207Lys), has been reported in affected individuals and is considered likely pathogenic (Pierpont EI et al., PMID: 35524774, ClinVar Variation ID: 40813). This variant is absent from the general population (gnomAD v2.1.1), indicating it is not a common variant. Computational predictors indicate that the variant is damaging, evidence that correlates with impact to MAP2K2 function. Based on available information and the ClinGen RASopathy Expert Panel Specifications for MAP2K2 variant classification, this variant is classified as of uncertain significance.